The following is an entry in ClinVar:

ClinVar aggregate classification (germline): Uncertain significance. Review status: criteria provided, multiple submitters, no conflicts (2 of 4 stars). 2 submissions from 2 submitters: Uncertain significance (2). Last evaluated 2025-02-03.

Conditions:
Ehlers-Danlos syndrome, classic type, 1 (EDSCL1). Also called: Ehlers-Danlos Syndrome, Classic Type, COL5A1-Related; EHLERS-DANLOS SYNDROME, GRAVIS TYPE; EHLERS-DANLOS SYNDROME, SEVERE CLASSIC TYPE; Ehlers-Danlos syndrome, type 1; EDS I. Identifiers: MedGen C0268335, MONDO:0019567, OMIM 130000.

gnomAD v4.1: 3 of 1,296,394 alleles (0.00023%); highest among the groups gnomAD compares: Non-Finnish European, 0.0002%; no homozygotes.

Submissions (2):

Women's Health and Genetics/Laboratory Corporation of America, LabCorp
Classification: Uncertain significance. Last evaluated: 2025-02-03. Review status: criteria provided, single submitter. Criteria: LabCorp Variant Classification Summary - May 2015. Collection method: clinical testing. Allele origin: germline.

Labcorp Genetics (formerly Invitae), Labcorp
Classification: Uncertain significance for Ehlers-Danlos syndrome, classic type, 1. Last evaluated: 2022-12-17. Review status: criteria provided, single submitter. Criteria: Invitae Variant Classification Sherloc (09022015). Collection method: clinical testing. Allele origin: germline.
Comment: This sequence change replaces proline, which is neutral and non-polar, with serine, which is neutral and polar, at codon 15 of the COL5A1 protein (p.Pro15Ser). In summary, the available evidence is currently insufficient to determine the role of this variant in disease. Therefore, it has been classified as a Variant of Uncertain Significance. Advanced modeling of protein sequence and biophysical properties (such as structural, functional, and spatial information, amino acid conservation, physicochemical variation, residue mobility, and thermodynamic stability) performed at Invitae indicates that this missense variant is not expected to disrupt COL5A1 protein function. This variant has not been reported in the literature in individuals affected with COL5A1-related conditions. This variant is not present in population databases (gnomAD no frequency).

NM_000093.5(COL5A1):c.43C>T (p.Pro15Ser)

Gene: COL5A1 (collagen type V alpha 1 chain; plus strand). Cytogenetic location: 9q34.3.
Variant type: single nucleotide variant.
Coding change: c.43C>T on transcript NM_000093.5 (MANE Select); coding-DNA position 43, C replaced by T.
Protein change: p.Pro15Ser; replaces proline 15 with serine.
Molecular consequence: missense variant.
Genome position (GRCh38, 1-based): chr9:134,642,230, C>T. VCF-style: chr9-134642230-C-T. GRCh37 (hg19) VCF-style: chr9-137534076-C-T.
Other names: c.43C>T, p.Pro15Ser (NM_001278074.1); short protein forms P15S.
Identifiers: ClinVar variation 2144489 (VCV002144489.5), dbSNP rs2491093792, ClinGen allele CA375443845.